The following is an entry in ClinVar:

NM_001184.4(ATR):c.5197-13T>A

Gene: ATR (ATR checkpoint kinase; minus strand). Cytogenetic location: 3q23.
Variant type: single nucleotide variant.
Coding change: c.5197-13T>A on transcript NM_001184.4 (MANE Select); 13 bases into the intron before coding-DNA position 5197, T replaced by A.
Molecular consequence: intron variant.
Genome position (GRCh38, 1-based): chr3:142,503,466, A>T on the plus strand (T>A on the coding strand, the complement: ATR is on the minus strand). VCF-style: chr3-142503466-A-T. GRCh37 (hg19) VCF-style: chr3-142222308-A-T.
Other names: c.5005-13T>A (NM_001354579.2).
Identifiers: ClinVar variation 2850707 (VCV002850707.3), dbSNP rs764473307, ClinGen allele CA2649663.

ClinVar aggregate classification (germline): Uncertain significance (1 of 4 stars; one submission).

Allele frequency attached by ClinVar (database versions not stated): gnomAD 0.00001; gnomAD exomes 0.00001; TOPMed below 0.00001; ExAC 0.00002.
gnomAD v4.1: 8 of 1,511,004 alleles (0.00053%); highest among the groups gnomAD compares: Non-Finnish European, 0.00073%; no homozygotes.

Submission:

Labcorp Genetics (formerly Invitae), Labcorp
Classification: Uncertain significance. Last evaluated: 2025-11-03. Review status: criteria provided, single submitter. Criteria: Invitae Variant Classification Sherloc (09022015). Collection method: clinical testing. Allele origin: germline.
Comment: This sequence change falls in intron 29 of the ATR gene. It does not directly change the encoded amino acid sequence of the ATR protein. This variant is present in population databases (rs764473307, gnomAD 0.002%). This variant has not been reported in the literature in individuals affected with ATR-related conditions. ClinVar contains an entry for this variant (Variation ID: 2850707). Algorithms developed to predict the effect of sequence changes on RNA splicing suggest that this variant may disrupt the consensus splice site. In summary, the available evidence is currently insufficient to determine the role of this variant in disease. Therefore, it has been classified as a Variant of Uncertain Significance.